The following is an entry in ClinVar:

NM_000380.4(XPA):c.469A>T (p.Lys157Ter)

Gene: XPA (XPA, DNA damage recognition and repair factor; minus strand). Cytogenetic location: 9q22.33.
Variant type: single nucleotide variant.
Coding change: c.469A>T on transcript NM_000380.4 (MANE Select); coding-DNA position 469, A replaced by T.
Protein change: p.Lys157Ter; replaces lysine 157 with a stop codon.
Molecular consequence: nonsense. On other transcripts: non-coding transcript variant (4).
Genome position (GRCh38, 1-based): chr9:97,687,182, T>A on the plus strand (A>T on the coding strand, the complement: XPA is on the minus strand). VCF-style: chr9-97687182-T-A. GRCh37 (hg19) VCF-style: chr9-100449464-T-A.
Other names: c.343A>T, p.Lys115Ter (NM_001354975.2); short protein forms K115*, K157*.
Identifiers: ClinVar variation 2863334 (VCV002863334.4), dbSNP rs1828745258, ClinGen allele CA374187469.
Genomic context (GRCh38, chr9:97,687,182, plus strand): 5'-CACCCCATTGTGAATGATGTGGATTCTTCTTCACAATAAATTTAAGAGGTGGCTCTCTTT[T>A]TTCTAAATCACAGTCTTTCAGAAGATATTCTTGTTTTGCCTCTGTTTTGGTTATAAGCTT-3'

ClinVar aggregate classification (germline): Pathogenic. Review status: criteria provided, multiple submitters, no conflicts (2 of 4 stars). 2 submissions from 2 submitters: Pathogenic (2). Last evaluated 2025-07-22.

Conditions:
Xeroderma pigmentosum group A (XPA). Also called: Xeroderma pigmentosum, complementation group A; XP, group A; XPA-Related Xeroderma Pigmentosum. Identifiers: Orphanet 910, MedGen C0268135, MONDO:0010210, OMIM 278700.

Submissions (2):

Myriad Genetics, Inc.
Classification: Pathogenic for Xeroderma pigmentosum group A. Last evaluated: 2025-07-22. Review status: criteria provided, single submitter. Criteria: Myriad Autosomal Dominant, Autosomal Recessive and X-Linked Classification Criteria (2023). Collection method: clinical testing. Allele origin: unknown.
Comment: NM_000380.3(XPA):c.469A>T(K157*) is a nonsense variant classified as pathogenic in the context of xeroderma pigmentosum group A. K157* has not been observed in cases with relevant disease. Relevant functional assessments of this variant are not available in the literature. K157* has not been observed in referenced population frequency databases. In summary, NM_000380.3(XPA):c.469A>T(K157*) is a nonsense variant in a gene where loss of function is a known mechanism of disease and is predicted to disrupt protein function. Please note: this variant was assessed in the context of healthy population screening.

Labcorp Genetics (formerly Invitae), Labcorp
Classification: Pathogenic. Last evaluated: 2023-09-12. Review status: criteria provided, single submitter. Criteria: Invitae Variant Classification Sherloc (09022015). Collection method: clinical testing. Allele origin: germline.
Comment: For these reasons, this variant has been classified as Pathogenic. Algorithms developed to predict the effect of sequence changes on RNA splicing suggest that this variant may disrupt the consensus splice site. This variant has not been reported in the literature in individuals affected with XPA-related conditions. This variant is not present in population databases (gnomAD no frequency). This sequence change creates a premature translational stop signal (p.Lys157*) in the XPA gene. It is expected to result in an absent or disrupted protein product. Loss-of-function variants in XPA are known to be pathogenic (PMID: 27607234).

Literature cited by the submitters: PubMed 27607234 (cited by Labcorp Genetics (formerly Invitae), Labcorp).